The following is an entry in ClinVar:

NM_052947.4(ALPK2):c.2185A>T (p.Ile729Leu)

Gene: ALPK2 (alpha kinase 2; minus strand). Cytogenetic location: 18q21.31.
Variant type: single nucleotide variant.
Coding change: c.2185A>T on transcript NM_052947.4 (MANE Select); coding-DNA position 2185, A replaced by T.
Protein change: p.Ile729Leu; replaces isoleucine 729 with leucine.
Molecular consequence: missense variant.
Genome position (GRCh38, 1-based): chr18:58,538,002, T>A on the plus strand (A>T on the coding strand, the complement: ALPK2 is on the minus strand). VCF-style: chr18-58538002-T-A. GRCh37 (hg19) VCF-style: chr18-56205234-T-A.
Other names: short protein forms I729L.
Identifiers: ClinVar variation 1787321 (VCV001787321.2), dbSNP rs2518878017, ClinGen allele CA402571319.
Genomic context (GRCh38, chr18:58,538,002, plus strand): 5'-CATCATTGGCTTCTGAGATGCTCTGCTCATATTTTAGGTCTTCCCTGAAATTGTCAGGTA[T>A]GTTGCCATCTCTGTCTTGTTTTTCTTCATGCTGTGGACCACAGGTACAGGGTTTGACCTC-3'
Protein context (NP_443179.3, residues 719-739): HEEKQDRDGN[Ile729Leu]PDNFREDLKY

ClinVar aggregate classification (germline): Uncertain significance (1 of 4 stars; one submission).

Submission:

Ambry Genetics
Classification: Uncertain significance. Last evaluated: 2022-09-19. Review status: criteria provided, single submitter. Criteria: Ambry Variant Classification Scheme 2023. Collection method: clinical testing. Allele origin: germline.
Comment: The p.I729L variant (also known as c.2185A>T), located in coding exon 4 of the ALPK2 gene, results from an A to T substitution at nucleotide position 2185. The isoleucine at codon 729 is replaced by leucine, an amino acid with highly similar properties. This amino acid position is conserved. In addition, this alteration is predicted to be tolerated by in silico analysis. Since supporting evidence is limited at this time, the clinical significance of this alteration remains unclear.